The following is an entry in ClinVar:

NM_001278512.2(AP3B2):c.2320G>A (p.Gly774Arg)

Genes: AP3B2 (adaptor related protein complex 3 subunit beta 2; minus strand), CPEB1-AS1 (CPEB1 antisense RNA 1; plus strand). Cytogenetic location: 15q25.2.
Variant type: single nucleotide variant.
Coding change: c.2320G>A on transcript NM_001278512.2 (MANE Select); coding-DNA position 2320, G replaced by A.
Protein change: p.Gly774Arg; replaces glycine 774 with arginine.
Molecular consequence: missense variant.
Genome position (GRCh38, 1-based): chr15:82,663,917, C>T on the plus strand (G>A on the coding strand, the complement: AP3B2 is on the minus strand). VCF-style: chr15-82663917-C-T. GRCh37 (hg19) VCF-style: chr15-83332669-C-T.
Other names: c.2167G>A, p.Gly723Arg (NM_001278511.2); c.2263G>A, p.Gly755Arg (NM_004644.5); c.2263G>A (NM_004644.3); short protein forms G774R, G723R, G755R.
Identifiers: ClinVar variation 1482751 (VCV001482751.5), dbSNP rs180683793, ClinGen allele CA7699949.

ClinVar aggregate classification (germline): Conflicting classifications of pathogenicity. Review status: criteria provided, conflicting classifications (1 of 4 stars). 3 submissions from 3 submitters: Uncertain significance (2); Likely benign (1). Last evaluated 2022-08-16.

Conditions:
Inborn genetic diseases. Identifiers: MedGen C0950123, MeSH D030342.

Allele frequency attached by ClinVar (database versions not stated): ExAC 0.00008; 1000 Genomes Project 30x 0.00016; TOPMed 0.00019; 1000 Genomes Project 0.00020; gnomAD 0.00021 and 0.00024.
gnomAD v4.1: 66 of 1,612,082 alleles (0.0041%); highest among the groups gnomAD compares: African/African-American, 0.067%; no homozygotes.

Submissions (3):

Labcorp Genetics (formerly Invitae), Labcorp
Classification: Uncertain significance. Last evaluated: 2022-08-16. Review status: criteria provided, single submitter. Criteria: Invitae Variant Classification Sherloc (09022015). Collection method: clinical testing. Allele origin: germline.
Comment: This sequence change replaces glycine, which is neutral and non-polar, with arginine, which is basic and polar, at codon 755 of the AP3B2 protein (p.Gly755Arg). This variant is present in population databases (rs180683793, gnomAD 0.07%). This variant has not been reported in the literature in individuals affected with AP3B2-related conditions. ClinVar contains an entry for this variant (Variation ID: 1482751). Algorithms developed to predict the effect of missense changes on protein structure and function output the following: SIFT: "Tolerated"; PolyPhen-2: "Probably Damaging"; Align-GVGD: "Class C0". The arginine amino acid residue is found in multiple mammalian species, which suggests that this missense change does not adversely affect protein function. In summary, the available evidence is currently insufficient to determine the role of this variant in disease. Therefore, it has been classified as a Variant of Uncertain Significance.

Ambry Genetics
Classification: Uncertain significance for Inborn genetic diseases. Last evaluated: 2021-07-16. Review status: criteria provided, single submitter. Criteria: Ambry Variant Classification Scheme 2023. Collection method: clinical testing. Allele origin: germline.

Blueprint Genetics
Classification: Likely benign. Last evaluated: 2020-12-18. Review status: criteria provided, single submitter. Criteria: ACMG Guidelines, 2015. Collection method: clinical testing. Allele origin: germline.